The following is an entry in ClinVar:

ClinVar aggregate classification (germline): Uncertain significance. Review status: criteria provided, multiple submitters, no conflicts (2 of 4 stars). 4 submissions from 4 submitters: Uncertain significance (4). Last evaluated 2025-08-18.

Conditions:
Hereditary cancer-predisposing syndrome. Also called: Tumor predisposition; Neoplastic Syndromes, Hereditary; Hereditary Cancer Syndrome; Hereditary neoplastic syndrome. Identifiers: Orphanet 140162, MedGen C0027672, MeSH D009386, MONDO:0015356.
Fanconi anemia complementation group J. Also called: BRIP1-Related Fanconi Anemia. Identifiers: Orphanet 84, MedGen C1836860, MONDO:0012187, OMIM 609054.
Familial cancer of breast. Also called: BREAST CANCER, FAMILIAL; Hereditary breast cancer; hereditary breast carcinoma. Identifiers: Orphanet 227535, MedGen C0346153, MONDO:0016419, OMIM 114480. Disease mechanism: loss of function.
Hereditary breast ovarian cancer syndrome. Also called: Hereditary breast and ovarian cancer; Breast and ovarian cancer; Hereditary breast and/or ovarian cancer syndrome; Hereditary breast and ovarian cancer syndrome (HBOC); BRCA1- and BRCA2-Associated Hereditary Breast and Ovarian Cancer; Hereditary breast and ovarian cancer syndrome. Identifiers: Orphanet 145, MedGen C0677776, MeSH D061325, MONDO:0003582. Disease mechanism: loss of function.

Allele frequency attached by ClinVar (database versions not stated): gnomAD exomes below 0.00001 and 0.00001.
gnomAD v4.1: 3 of 1,613,210 alleles (0.00019%); highest among the groups gnomAD compares: Admixed American, 0.0033%; no homozygotes.

Submissions (4):

Labcorp Genetics (formerly Invitae), Labcorp
Classification: Uncertain significance for Familial cancer of breast; Fanconi anemia complementation group J. Last evaluated: 2025-08-18. Review status: criteria provided, single submitter. Criteria: Invitae Variant Classification Sherloc (09022015). Collection method: clinical testing. Allele origin: germline.
Comment: This sequence change replaces alanine, which is neutral and non-polar, with threonine, which is neutral and polar, at codon 72 of the BRIP1 protein (p.Ala72Thr). This variant is present in population databases (no rsID available, gnomAD 0.003%). This variant has not been reported in the literature in individuals affected with BRIP1-related conditions. ClinVar contains an entry for this variant (Variation ID: 479475). Invitae Evidence Modeling of protein sequence and biophysical properties (such as structural, functional, and spatial information, amino acid conservation, physicochemical variation, residue mobility, and thermodynamic stability) indicates that this missense variant is not expected to disrupt BRIP1 protein function with a negative predictive value of 95%. In summary, the available evidence is currently insufficient to determine the role of this variant in disease. Therefore, it has been classified as a Variant of Uncertain Significance.

Ambry Genetics
Classification: Uncertain significance for Hereditary cancer-predisposing syndrome. Last evaluated: 2024-09-21. Review status: criteria provided, single submitter. Criteria: Ambry Variant Classification Scheme 2023. Collection method: clinical testing. Allele origin: germline.
Comment: The p.A72T variant (also known as c.214G>A), located in coding exon 3 of the BRIP1 gene, results from a G to A substitution at nucleotide position 214. The alanine at codon 72 is replaced by threonine, an amino acid with similar properties. This amino acid position is poorly conserved in available vertebrate species. In addition, this alteration is predicted to be tolerated by in silico analysis. Since supporting evidence is limited at this time, the clinical significance of this alteration remains unclear.

Department of Pathology and Laboratory Medicine, Sinai Health System
Classification: Uncertain significance for Hereditary breast ovarian cancer syndrome. Last evaluated: 2022-05-16. Review status: criteria provided, single submitter. Criteria: ACMG Guidelines, 2015. Collection method: clinical testing. Allele origin: germline. Affected: yes.

Women's Health and Genetics/Laboratory Corporation of America, LabCorp
Classification: Uncertain significance. Last evaluated: 2020-09-28. Review status: criteria provided, single submitter. Criteria: LabCorp Variant Classification Summary - May 2015. Collection method: clinical testing. Allele origin: germline.
Comment: Variant summary: BRIP1 c.214G>A (p.Ala72Thr) results in a non-conservative amino acid change located in the Helicase-like, DEXD box c2 type domain (IPR006554) of the encoded protein sequence. Four of five in-silico tools predict a benign effect of the variant on protein function. The variant allele was found at a frequency of 4e-06 in 251072 control chromosomes (gnomAD). The available data on variant occurrences in the general population are insufficient to allow any conclusion about variant significance. To our knowledge, no occurrence of c.214G>A in individuals affected with Breast Cancer and no experimental evidence demonstrating its impact on protein function have been reported. One co-occurrence with another pathogenic variant has been reported internally (ATM c.2467-1G>A), providing supporting evidence for a benign role. Two ClinVar submitters (evaluation after 2014) cite the variant as uncertain significance. Based on the evidence outlined above, the variant was classified as uncertain significance.

NM_032043.3(BRIP1):c.214G>A (p.Ala72Thr)

Gene: BRIP1 (BRCA1 interacting DNA helicase 1; minus strand). Cytogenetic location: 17q23.2.
Variant type: single nucleotide variant.
Coding change: c.214G>A on transcript NM_032043.3 (MANE Select); coding-DNA position 214, G replaced by A.
Protein change: p.Ala72Thr; replaces alanine 72 with threonine.
Molecular consequence: missense variant.
Genome position (GRCh38, 1-based): chr17:61,857,223, C>T on the plus strand (G>A on the coding strand, the complement: BRIP1 is on the minus strand). VCF-style: chr17-61857223-C-T. GRCh37 (hg19) VCF-style: chr17-59934584-C-T.
Other names: short protein forms A72T.
Identifiers: ClinVar variation 479475 (VCV000479475.18), dbSNP rs1357919929, ClinGen allele CA400485617.